The following is an entry in ClinVar:

ClinVar aggregate classification (germline): Pathogenic (1 of 4 stars; one submission).

Submission:

ISCA site 15
Classification: Pathogenic. Last evaluated: 2011-08-12. Review status: criteria provided, single submitter. Criteria: Kaminsky et al. (Genet Med. 2011). Collection method: clinical testing. Allele origin: unknown. Affected: yes. Observed: 1 variant allele.
Comment: Copy number variation identified through the course of routine clinical cytogenomic testing in postnatal populations. Clinical assertions have been curated as described in Kaminsky et al. 2011.

GRCh38/hg38 16q12.1-12.2(chr16:50784329-55566715)x1

Genes: AKTIP (AKT interacting protein; minus strand), CAPNS2 (calpain small subunit 2; plus strand), CASC16 (cancer susceptibility 16; minus strand), CASC22 (cancer susceptibility 22; plus strand), CHD9 (chromodomain helicase DNA binding protein 9; plus strand) and 101 more. Cytogenetic location: 16q12.1-12.2.
Variant type: copy number loss.
Change: copy number 1 (one copy instead of two) of chr16:50,784,329-55,566,715 (4.78 Mb, GRCh38 coordinates, 1-based), cytogenetic band 16q12.1-12.2.
Identifiers: ClinVar variation 59490 (VCV000059490.1).